The following is an entry in ClinVar:

NM_001845.6(COL4A1):c.780+3A>G

Gene: COL4A1 (collagen type IV alpha 1 chain; minus strand). Cytogenetic location: 13q34.
Variant type: single nucleotide variant.
Coding change: c.780+3A>G on transcript NM_001845.6 (MANE Select); 3 bases into the intron after coding-DNA position 780, A replaced by G.
Molecular consequence: intron variant.
Genome position (GRCh38, 1-based): chr13:110,207,400, T>C on the plus strand (A>G on the coding strand, the complement: COL4A1 is on the minus strand). VCF-style: chr13-110207400-T-C. GRCh37 (hg19) VCF-style: chr13-110859747-T-C.
Other names: c.780+3A>G (NM_001303110.2).
Identifiers: ClinVar variation 2506618 (VCV002506618.1), dbSNP rs2501586829, ClinGen allele CA2580616538.

ClinVar aggregate classification (germline): Uncertain significance (1 of 4 stars; one submission).

Allele frequency attached by ClinVar (database versions not stated): gnomAD exomes below 0.00001.
gnomAD v4.1: 1 of 1,612,714 alleles (0.000062%); highest among the groups gnomAD compares: Middle Eastern, 0.016%; no homozygotes.

Submission:

GeneDx
Classification: Uncertain significance. Last evaluated: 2022-12-22. Review status: criteria provided, single submitter. Criteria: GeneDx Variant Classification Process June 2021. Collection method: clinical testing. Allele origin: germline. Affected: yes.
Comment: Not observed at significant frequency in large population cohorts (gnomAD); In silico analysis supports a deleterious effect on splicing; Has not been previously published as pathogenic or benign to our knowledge